The following is an entry in ClinVar:

NM_022168.4(IFIH1):c.2027T>A (p.Leu676His)

Gene: IFIH1 (interferon induced with helicase C domain 1; minus strand). Cytogenetic location: 2q24.2.
Variant type: single nucleotide variant.
Coding change: c.2027T>A on transcript NM_022168.4 (MANE Select); coding-DNA position 2027, T replaced by A.
Protein change: p.Leu676His; replaces leucine 676 with histidine.
Molecular consequence: missense variant.
Genome position (GRCh38, 1-based): chr2:162,277,432, A>T on the plus strand (T>A on the coding strand, the complement: IFIH1 is on the minus strand). VCF-style: chr2-162277432-A-T. GRCh37 (hg19) VCF-style: chr2-163133942-A-T.
Other names: c.2027T>A (NM_022168.2); short protein forms L676H.
Identifiers: ClinVar variation 1390120 (VCV001390120.9), dbSNP rs745474856, ClinGen allele CA1934326.
Genomic context (GRCh38, chr2:162,277,432, plus strand): 5'-AAGGTAAATGAATGACACCAGTATATGTTACTTTGAATCTTACCAAAAAATAAAGTCATG[A>T]GAAATCTATCTGTTTCATCCAGTTTCAAAGGTTTCTTTAAATCATCCTCATCTTCATCAC-3'
Protein context (NP_071451.2, residues 666-686): PLKLDETDRF[Leu676His]MTLFFENNKM

ClinVar aggregate classification (germline): Uncertain significance. Review status: criteria provided, multiple submitters, no conflicts (2 of 4 stars). 2 submissions from 2 submitters: Uncertain significance (2). Last evaluated 2025-10-18.

Conditions:
Inborn genetic diseases. Identifiers: MedGen C0950123, MeSH D030342.
Aicardi-Goutieres syndrome 7 (AGS7). Identifiers: Orphanet 51, MedGen C3888244, MONDO:0014367, OMIM 615846.
Singleton-Merten syndrome 1 (SGMRT1). Also called: Widened medullary cavities of bone, aortic calcification, abnormal dentition, and muscular weakness; Syndrome of widened medullary cavities of the metacarpals and phalanges, aortic calcification and abnormal dentition. Identifiers: Orphanet 85191, MedGen C4225427, MONDO:0024535, OMIM 182250.

Allele frequency attached by ClinVar (database versions not stated): TOPMed below 0.00001; gnomAD exomes 0.00002; ExAC 0.00001.
gnomAD v4.1: 18 of 1,608,644 alleles (0.0011%); highest among the groups gnomAD compares: Middle Eastern, 0.05%; no homozygotes.

Submissions (2):

Labcorp Genetics (formerly Invitae), Labcorp
Classification: Uncertain significance for Aicardi-Goutieres syndrome 7; Singleton-Merten syndrome 1. Last evaluated: 2025-10-18. Review status: criteria provided, single submitter. Criteria: Invitae Variant Classification Sherloc (09022015). Collection method: clinical testing. Allele origin: germline.
Comment: This sequence change replaces leucine, which is neutral and non-polar, with histidine, which is basic and polar, at codon 676 of the IFIH1 protein (p.Leu676His). This variant is present in population databases (rs745474856, gnomAD 0.003%). This variant has not been reported in the literature in individuals affected with IFIH1-related conditions. This missense change has been observed in at least one individual who was not affected with IFIH1-related conditions (internal data). ClinVar contains an entry for this variant (Variation ID: 1390120). Invitae Evidence Modeling of protein sequence and biophysical properties (such as structural, functional, and spatial information, amino acid conservation, physicochemical variation, residue mobility, and thermodynamic stability) has been performed for this missense variant. However, the output from this modeling did not meet the statistical confidence thresholds required to predict the impact of this variant on IFIH1 protein function. In summary, the available evidence is currently insufficient to determine the role of this variant in disease. Therefore, it has been classified as a Variant of Uncertain Significance.

Ambry Genetics
Classification: Uncertain significance for Inborn genetic diseases. Last evaluated: 2025-01-16. Review status: criteria provided, single submitter. Criteria: Ambry Variant Classification Scheme 2023. Collection method: clinical testing. Allele origin: germline.